The following is an entry in ClinVar:

ClinVar aggregate classification (germline): Pathogenic. Review status: reviewed by expert panel (3 of 4 stars). 14 submissions from 14 submitters: Pathogenic (1). 13 of the submissions do not count toward it. Last evaluated 2020-05-05.

Conditions:
GAA-related disorders.
Glycogen storage disease, type II (IOPD). Also called: Glucosidase acid-1,4-alpha deficiency; Glycogen storage disease type 2; Acid maltase deficiency disease; Aglucosidase alfa; Deficiency of alpha-glucosidase; Deficiency of lysosomal alpha-glucosidase. Identifiers: Orphanet 365, MedGen C0017921, MONDO:0009290, OMIM 232300.

gnomAD v4.1: 19 of 1,613,396 alleles (0.0012%); highest among the groups gnomAD compares: African/African-American, 0.004%; no homozygotes.

Submissions 1 to 9 of 14:

ClinGen Lysosomal Storage Disorder Variant Curation Expert Panel
Classification: Pathogenic for Glycogen storage disease, type II. Last evaluated: 2020-05-05. Review status: reviewed by expert panel. Criteria: ClinGen LSD ACMG Specifications v1. Collection method: curation. Allele origin: germline. Inheritance: Autosomal recessive inheritance.
Comment: This variant, c.2237G>A (p.Trp746Ter), which results in a premature termination codon, is expected to result in nonsense mediated decay and absence of gene product, meeting PVS1. This is supported by the finding that patients with this variant have no GAA cross-reactive immunological material in protein isolated from skin fibroblast cultures i.e. CRIM-negative (PMID 22252923). The highest population minor allele frequency in gnomAD for this variant is 0.000008834 in the European non-Finnish population, meeting PM2 (<0.001). This variant has been reported in at least 15 patients who also meet the LSD VCEP's PP4 criterion (PMIDs 12923862, 16917947, 17056254, 18285536, 21484825, 22237443, 24158270, 26497565). The c.2237G>A variant was found in compound heterozygosity with c.-32-13T>G in 9 of 40 Italian patients studied; six of these patients meet PP4 and in 4 of those patients the phase was confirmed in trans (PMID 16917947) (4.5 points). Additional patients meeting PP4 have been reported to be compound heterozygous for the variant and c.-32-13T>G, c.2481+110_2646+39del, c.1128_1129delinsC, c.670C>T (p.Arg224Trp), c.853C>T (p.Pro285Ser) (PMIDs 12923862, 17056254, 18285536, 21484825, 22237443); the phase was not confirmed in any of these cases. Four patients meeting PP4 criteria are reported to be homozygous for the variant (PMID 26497565). Four additional patients have been reported with this variant but residual GAA activity was not reported, and therefore PP4 cannot be assessed (PMID 18429042, 24269976). Based on this data, PP4 and PM3_Very Strong are met. There is a ClinVar entry for this variant (Variation ID: 280063; 2 star review status) with 5 submitters all classifying the variant as pathogenic. In summary, this variant meets the criteria to be classified as Pathogenic for Pompe disease. GAA-specific ACMG/AMP criteria applied, as specified by the ClinGen LSD VCEP: PVS1, PM2, PM3_Very strong, PP4.

Genomenon, Inc
Classification: Pathogenic for Glycogen storage disease, type II. Last evaluated: 2026-07-01. Review status: criteria provided, single submitter. Criteria: Genomenon Sequence Variant Interpretation Standards - Updated. Collection method: curation. Allele origin: germline. Affected: yes. Not counted in ClinVar's aggregate classification.
Comment: GAA p.Trp746Ter (c.2237G>A) is a nonsense variant that introduces a premature stop codon at amino acid position 746 and is predicted to result in a truncated or absent protein product. This variant has been observed in at least one proband with a GAA-related disorder (PMID:40813881;39213226;39010129;38248631;38162137;36310651;36137614;35477515;35302691). Functional studies have been reported (PMID:34606154). It is absent or not present at a significant frequency in gnomAD. In conclusion, we classify GAA p.Trp746Ter (c.2237G>A) as a pathogenic variant.

Labcorp Genetics (formerly Invitae), Labcorp
Classification: Pathogenic for Glycogen storage disease, type II. Last evaluated: 2026-01-17. Review status: criteria provided, single submitter. Criteria: Invitae Variant Classification Sherloc (09022015). Collection method: clinical testing. Allele origin: germline. Not counted in ClinVar's aggregate classification.
Comment: This sequence change creates a premature translational stop signal (p.Trp746*) in the GAA gene. It is expected to result in an absent or disrupted protein product. Loss-of-function variants in GAA are known to be pathogenic (PMID: 18425781, 22252923). This variant is present in population databases (rs752921215, gnomAD 0.003%). This premature translational stop signal has been observed in individuals with Pompe disease (PMID: 10206684, 24158270, 25488666). ClinVar contains an entry for this variant (Variation ID: 280063). For these reasons, this variant has been classified as Pathogenic.

Foundation for Research in Genetics and Endocrinology, FRIGE's Institute of Human Genetics
Classification: Pathogenic for Glycogen storage disease, type II. Last evaluated: 2025-11-21. Review status: criteria provided, single submitter. Criteria: ACMG Guidelines, 2015. Collection method: clinical testing. Allele origin: germline. Inheritance: Autosomal recessive inheritance. Affected: yes. Observed: 1 homozygote. Not counted in ClinVar's aggregate classification.
Comment: A homozygous nonsense variant in exon 16 of the GAA gene that results in a stop codon and premature truncation of the protein at codon 746 (p.Trp746Ter) was detected. This variant has not been reported in the 1000 genomes and has a MAF of 0.0004% in the gnomAD database. The in-silico prediction of the variant is deleterious by MutationTaster2 and DANN. In summary the variant meets our criteria to be classified as pathogenic.

Revvity Omics, Revvity
Classification: Pathogenic. Last evaluated: 2025-05-19. Review status: criteria provided, single submitter. Criteria: ACMG Guidelines, 2015. Collection method: clinical testing. Allele origin: germline. Not counted in ClinVar's aggregate classification.

New York Genome Center
Classification: Pathogenic for Glycogen storage disease, type II. Last evaluated: 2024-08-19. Review status: criteria provided, single submitter. Criteria: NYGC Assertion Criteria 2020. Collection method: clinical testing. Allele origin: inherited. Observed: 1 variant allele, 1 compound heterozygote. Not counted in ClinVar's aggregate classification.
Comment: The inherited c.2237G>A, p.(Trp746Ter) variant identified in the GAA gene is a single nucleotide variant predicted to incorporate a premature termination codon at amino acid 746/953 (exon 16/20), and is expected to lead to loss of protein via nonsense mediated decay. This variant has been curated by the Lysosomal Storage Disorders Variant Curation Expert Panel as Pathogenic (VarID:280063), and has been reported in many affected individuals in the literature in both homozygous [PMID:26497565] and compound heterozygous state with a second GAA variant [PMID:18285536, 24158270, 26497565, others]. The allele frequency in population databases for the c.2237G>A, p.(Trp746Ter) variant is not higher than expected for a disease associated variant (gnomADv4.1.0; 6.5e-6, 0 homozygotes). Given the available information, this inherited heterozygous c.2237G>A, p.(Trp746Ter) variant identified in the GAA gene is reported as Pathogenic.

Natera, Inc.
Classification: Pathogenic for Glycogen storage disease type II. Last evaluated: 2024-04-18. Review status: criteria provided, single submitter. Criteria: Natera Variant Classification Schema (03/2026). Collection method: clinical testing. Allele origin: germline. Not counted in ClinVar's aggregate classification.
Comment: The c.2237G>A variant in GAA is a nonsense variant predicted to introduce a stop codon at amino acid 746. This variant is expected to result in nonsense mediated decay, truncation, or a dysfunctional protein product. This variant is rare in the general population with a frequency below the threshold expected for the associated phenotype(s). This variant has been observed in one or more individuals affected with the associated recessive disease, as either homozygous or compound heterozygous with a second variant (PMID: 26497565, 18429042). Given the available evidence, this variant is classified as Pathogenic.

Fulgent Genetics
Classification: Pathogenic for Glycogen storage disease, type II. Last evaluated: 2021-12-13. Review status: criteria provided, single submitter. Criteria: ACMG Guidelines, 2015. Collection method: clinical testing. Allele origin: unknown. Not counted in ClinVar's aggregate classification.

Blueprint Genetics
Classification: Pathogenic for GAA-related disorders. Last evaluated: 2020-11-24. Review status: criteria provided, single submitter. Criteria: ACMG Guidelines, 2015. Collection method: clinical testing. Allele origin: germline. Affected: yes. Observed: 1 variant allele. Not counted in ClinVar's aggregate classification.

NM_000152.5(GAA):c.2237G>A (p.Trp746Ter)

Gene: GAA (alpha glucosidase; plus strand). Cytogenetic location: 17q25.3.
Variant type: single nucleotide variant.
Coding change: c.2237G>A on transcript NM_000152.5 (MANE Select); coding-DNA position 2237, G replaced by A.
Protein change: p.Trp746Ter; replaces tryptophan 746 with a stop codon.
Molecular consequence: nonsense.
Genome position (GRCh38, 1-based): chr17:80,117,015, G>A. VCF-style: chr17-80117015-G-A. GRCh37 (hg19) VCF-style: chr17-78090814-G-A.
Other names: c.2237G>A (LRG_673t1, NM_000152.4); c.2237G>A, p.Trp746Ter (NM_001079803.3, NM_001079804.3); short protein forms W746*.
Identifiers: ClinVar variation 280063 (VCV000280063.37), dbSNP rs752921215, ClinGen allele CA8815664.